The following is an entry in ClinVar:

NM_002137.4(HNRNPA2B1):c.866A>G (p.Asn289Ser)

Gene: HNRNPA2B1 (heterogeneous nuclear ribonucleoprotein A2/B1; minus strand). Cytogenetic location: 7p15.2.
Variant type: single nucleotide variant.
Coding change: c.866A>G on transcript NM_002137.4 (MANE Select); coding-DNA position 866, A replaced by G.
Protein change: p.Asn289Ser; replaces asparagine 289 with serine.
Molecular consequence: missense variant.
Genome position (GRCh38, 1-based): chr7:26,193,349, T>C on the plus strand (A>G on the coding strand, the complement: HNRNPA2B1 is on the minus strand). VCF-style: chr7-26193349-T-C. GRCh37 (hg19) VCF-style: chr7-26232969-T-C.
Other names: c.902A>G, p.Asn301Ser (NM_031243.4); short protein forms N301S, N289S.
Identifiers: ClinVar variation 2150179 (VCV002150179.5), dbSNP rs911715553, ClinGen allele CA155908824.

ClinVar aggregate classification (germline): Uncertain significance. Review status: criteria provided, multiple submitters, no conflicts (2 of 4 stars). 2 submissions from 2 submitters: Uncertain significance (2). Last evaluated 2024-05-19.

Conditions:
Inclusion body myopathy with early-onset Paget disease with or without frontotemporal dementia 2 (IBMPFD2). Also called: MULTISYSTEM PROTEINOPATHY 2. Identifiers: MedGen C3809468, MONDO:0014178, OMIM 615422.

Allele frequency attached by ClinVar (database versions not stated): gnomAD 0.00001; gnomAD exomes 0.00001; TOPMed 0.00001.
gnomAD v4.1: 10 of 1,611,810 alleles (0.00062%); highest among the groups gnomAD compares: Admixed American, 0.0067%; no homozygotes.

Submissions (2):

Labcorp Genetics (formerly Invitae), Labcorp
Classification: Uncertain significance for Inclusion body myopathy with early-onset Paget disease with or without frontotemporal dementia 2. Last evaluated: 2024-05-19. Review status: criteria provided, single submitter. Criteria: Invitae Variant Classification Sherloc (09022015). Collection method: clinical testing. Allele origin: germline.
Comment: This sequence change replaces asparagine, which is neutral and polar, with serine, which is neutral and polar, at codon 301 of the HNRNPA2B1 protein (p.Asn301Ser). This variant is present in population databases (no rsID available, gnomAD 0.009%). This variant has not been reported in the literature in individuals affected with HNRNPA2B1-related conditions. ClinVar contains an entry for this variant (Variation ID: 2150179). An algorithm developed to predict the effect of missense changes on protein structure and function (PolyPhen-2) suggests that this variant is likely to be tolerated. In summary, the available evidence is currently insufficient to determine the role of this variant in disease. Therefore, it has been classified as a Variant of Uncertain Significance.

GeneDx
Classification: Uncertain significance. Last evaluated: 2023-06-08. Review status: criteria provided, single submitter. Criteria: GeneDx Variant Classification Process June 2021. Collection method: clinical testing. Allele origin: germline. Affected: yes.
Comment: In silico analysis supports that this missense variant has a deleterious effect on protein structure/function; Has not been previously published as pathogenic or benign to our knowledge